The following is an entry in ClinVar:

ClinVar aggregate classification (germline): Likely pathogenic (1 of 4 stars; one submission).

Conditions:
Crigler-Najjar syndrome type 1. Also called: HYPERBILIRUBINEMIA, CRIGLER-NAJJAR TYPE I. Identifiers: Orphanet 79234, MedGen C0010324, MONDO:0021020, OMIM 218800.
BILIRUBIN, SERUM LEVEL OF, QUANTITATIVE TRAIT LOCUS 1 (BILIQTL1). Identifiers: MedGen C1866173, OMIM 601816.
Crigler-Najjar syndrome, type II. Also called: HYPERBILIRUBINEMIA, CRIGLER-NAJJAR TYPE II; Crigler Najjar syndrome, type 2; Mutation in the UDP-glucuronosyl-transferase gene. Identifiers: Orphanet 205, Orphanet 79235, MedGen C2931132, MONDO:0011725, OMIM 606785.
Gilbert syndrome. Also called: Gilbert Disease; HYPERBILIRUBINEMIA, GILBERT TYPE; Gilbert's syndrome; HYPERBILIRUBINEMIA I; HYPERBILIRUBINEMIA, ARIAS TYPE. Identifiers: MedGen C0017551, MONDO:0007745, OMIM 143500.
Lucey-Driscoll syndrome (HBLRTFN). Also called: Transient familial neonatal hyperbilirubinemia. Identifiers: Orphanet 2312, MedGen C0270210, MONDO:0009383, OMIM 237900.

gnomAD v4.1: 2 of 1,614,208 alleles (0.00012%); highest among the groups gnomAD compares: Non-Finnish European, 0.00017%; no homozygotes.

Submission:

Juno Genomics, Hangzhou Juno Genomics, Inc
Classification: Likely pathogenic for BILIRUBIN, SERUM LEVEL OF, QUANTITATIVE TRAIT LOCUS 1; Gilbert syndrome; Crigler-Najjar syndrome type 1; Crigler-Najjar syndrome, type II; Lucey-Driscoll syndrome. Review status: criteria provided, single submitter. Criteria: ACMG Guidelines, 2015. Collection method: clinical testing. Allele origin: germline.
Comment: Null variant in a gene where loss of function (LOF) is a known mechanism of disease.;Absent from controls (or at extremely low frequency if recessive) in Genome Aggregation Database.

NM_000463.3(UGT1A1):c.154C>T (p.Gln52Ter)

Genes: UGT1A (UDP glucuronosyltransferase family 1 member A complex locus; plus strand), UGT1A1 (UDP glucuronosyltransferase family 1 member A1; plus strand), UGT1A10 (UDP glucuronosyltransferase family 1 member A10; plus strand), UGT1A3 (UDP glucuronosyltransferase family 1 member A3; plus strand), UGT1A4 (UDP glucuronosyltransferase family 1 member A4; plus strand) and 5 more. Cytogenetic location: 2q37.1.
Variant type: single nucleotide variant.
Coding change: c.154C>T on transcript NM_000463.3 (MANE Select); coding-DNA position 154, C replaced by T.
Protein change: p.Gln52Ter; replaces glutamine 52 with a stop codon.
Molecular consequence: nonsense. On other transcripts: intron variant (9).
Genome position (GRCh38, 1-based): chr2:233,760,441, C>T. VCF-style: chr2-233760441-C-T. GRCh37 (hg19) VCF-style: chr2-234669087-C-T.
Other names: c.856-6593C>T (NM_019076.5, NM_019075.4, NM_021027.3 and 1 more transcripts); c.61-6593C>T (NM_205862.3); c.862-6593C>T (NM_001072.4); c.868-6593C>T (NM_019078.2, NM_007120.3, NM_019093.4); short protein forms Q52*.
Identifiers: ClinVar variation 5006251 (VCV005006251.2).